The following is an entry in ClinVar:

NM_000051.4(ATM):c.7834A>G (p.Arg2612Gly)

Genes: ATM (ATM serine/threonine kinase; plus strand), C11orf65 (chromosome 11 open reading frame 65; minus strand). Cytogenetic location: 11q22.3.
Variant type: single nucleotide variant.
Coding change: c.7834A>G on transcript NM_000051.4 (MANE Select); coding-DNA position 7834, A replaced by G.
Protein change: p.Arg2612Gly; replaces arginine 2612 with glycine.
Molecular consequence: missense variant. On other transcripts: intron variant (2).
Genome position (GRCh38, 1-based): chr11:108,332,807, A>G. VCF-style: chr11-108332807-A-G. GRCh37 (hg19) VCF-style: chr11-108203534-A-G.
Other names: c.7834A>G, p.Arg2612Gly (NM_001351834.2); c.641-23736T>C (NM_001330368.2); c.*38+2413T>C (NM_001351110.2); short protein forms R2612G.
Identifiers: ClinVar variation 2568157 (VCV002568157.5), dbSNP rs1305691166, ClinGen allele CA382561333.

ClinVar aggregate classification (germline): Uncertain significance. Review status: criteria provided, multiple submitters, no conflicts (2 of 4 stars). 2 submissions from 2 submitters: Uncertain significance (2). Last evaluated 2023-07-31.

Conditions:
Ataxia-telangiectasia syndrome (AT). Also called: LOUIS-BAR SYNDROME; Cerebello-oculocutaneous telangiectasia; Immunodeficiency with ataxia telangiectasia; Ataxia-telangiectasia, complementation group E; Ataxia-telangiectasia, complementation group D; AT, COMPLEMENTATION GROUP C. Identifiers: Orphanet 100, MedGen C0004135, MONDO:0008840, OMIM 208900.
Hereditary cancer-predisposing syndrome. Also called: Hereditary Cancer Syndrome; Hereditary neoplastic syndrome; Neoplastic Syndromes, Hereditary; Tumor predisposition. Identifiers: Orphanet 140162, MedGen C0027672, MeSH D009386, MONDO:0015356.

gnomAD v4.1: 1 of 1,613,476 alleles (0.000062%); highest among the groups gnomAD compares: Non-Finnish European, 0.000085%; no homozygotes.

Submissions (2):

Labcorp Genetics (formerly Invitae), Labcorp
Classification: Uncertain significance for Ataxia-telangiectasia syndrome. Last evaluated: 2023-07-31. Review status: criteria provided, single submitter. Criteria: Invitae Variant Classification Sherloc (09022015). Collection method: clinical testing. Allele origin: germline.
Comment: In summary, the available evidence is currently insufficient to determine the role of this variant in disease. Therefore, it has been classified as a Variant of Uncertain Significance. Algorithms developed to predict the effect of missense changes on protein structure and function output the following: SIFT: "Not Available"; PolyPhen-2: "Benign"; Align-GVGD: "Not Available". The glycine amino acid residue is found in multiple mammalian species, which suggests that this missense change does not adversely affect protein function. ClinVar contains an entry for this variant (Variation ID: 2568157). This variant has not been reported in the literature in individuals affected with ATM-related conditions. This variant is not present in population databases (gnomAD no frequency). This sequence change replaces arginine, which is basic and polar, with glycine, which is neutral and non-polar, at codon 2612 of the ATM protein (p.Arg2612Gly).

Ambry Genetics
Classification: Uncertain significance for Hereditary cancer-predisposing syndrome. Last evaluated: 2023-03-27. Review status: criteria provided, single submitter. Criteria: Ambry Variant Classification Scheme 2023. Collection method: clinical testing. Allele origin: germline.
Comment: The p.R2612G variant (also known as c.7834A>G), located in coding exon 52 of the ATM gene, results from an A to G substitution at nucleotide position 7834. The arginine at codon 2612 is replaced by glycine, an amino acid with dissimilar properties. This amino acid position is conserved. In addition, this alteration is predicted to be tolerated by in silico analysis. Since supporting evidence is limited at this time, the clinical significance of this alteration remains unclear.